The following is an entry in ClinVar:

ClinVar aggregate classification (germline): Likely benign. Review status: criteria provided, multiple submitters, no conflicts (2 of 4 stars). 2 submissions from 2 submitters: Likely benign (2). Last evaluated 2025-03-11.

Conditions:
COL18A1-related disorder. Also called: COL18A1-related condition; COL18A1-related disorders.

Allele frequency attached by ClinVar (database versions not stated): ExAC 0.00001; gnomAD exomes 0.00001; TOPMed 0.00003.
gnomAD v4.1: 24 of 1,613,872 alleles (0.0015%); highest among the groups gnomAD compares: Non-Finnish European, 0.0017%; no homozygotes.

Submissions (2):

PreventionGenetics, part of Exact Sciences
Classification: Likely benign for COL18A1-related condition. Last evaluated: 2025-03-11. Review status: criteria provided, single submitter. Criteria: ACMG Guidelines, 2015. Collection method: clinical testing. Allele origin: germline.
Comment: This variant is classified as likely benign based on ACMG/AMP sequence variant interpretation guidelines (Richards et al. 2015 PMID: 25741868, with internal and published modifications).

Labcorp Genetics (formerly Invitae), Labcorp
Classification: Likely benign. Last evaluated: 2024-03-14. Review status: criteria provided, single submitter. Criteria: Invitae Variant Classification Sherloc (09022015). Collection method: clinical testing. Allele origin: germline.

NM_001379500.1(COL18A1):c.366C>T (p.Gly122=)

Gene: COL18A1 (collagen type XVIII alpha 1 chain; plus strand). Cytogenetic location: 21q22.3.
Variant type: single nucleotide variant.
Coding change: c.366C>T on transcript NM_001379500.1 (MANE Select); coding-DNA position 366, C replaced by T.
Protein change: p.Gly122=; no amino-acid change (glycine 122 retained).
Molecular consequence: synonymous variant.
Genome position (GRCh38, 1-based): chr21:45,468,501, C>T. VCF-style: chr21-45468501-C-T. GRCh37 (hg19) VCF-style: chr21-46888415-C-T.
Other names: c.906C>T (NM_030582.3); c.906C>T, p.Gly302= (NM_030582.4); c.1611C>T, p.Gly537= (NM_130444.3).
Identifiers: ClinVar variation 1575577 (VCV001575577.9), dbSNP rs757344530, ClinGen allele CA10065731.
Genomic context (GRCh38, chr21:45,468,501, plus strand): 5'-AGAGGGCCCAGGGGTGCTGTTCGCCATCACGGACTCGGCGCAGGCCATGGTCTTGCTGGG[C>T]GTGAAGCTCTCTGGGGTGCAGGACGGGCACCAGGACATCTCCCTGCTCTACACAGAACCA-3'
Protein context (NP_001366429.1, residues 112-132): TDSAQAMVLL[Gly122=]VKLSGVQDGH